The following is an entry in ClinVar:

ClinVar aggregate classification (germline): Conflicting classifications of pathogenicity. Review status: criteria provided, conflicting classifications (1 of 4 stars). 2 submissions from 2 submitters: Uncertain significance (1); Likely benign (1). Last evaluated 2026-01-02.

Allele frequency attached by ClinVar (database versions not stated): gnomAD 0.00006; gnomAD exomes 0.00006; TOPMed 0.00009; 1000 Genomes Project 30x 0.00031; ExAC 0.00062.
gnomAD v4.1: 97 of 1,600,954 alleles (0.0061%); highest among the groups gnomAD compares: Admixed American, 0.16%; 1 homozygote.

Submissions (2):

Labcorp Genetics (formerly Invitae), Labcorp
Classification: Likely benign. Last evaluated: 2026-01-02. Review status: criteria provided, single submitter. Criteria: Invitae Variant Classification Sherloc (09022015). Collection method: clinical testing. Allele origin: germline.

Women's Health and Genetics/Laboratory Corporation of America, LabCorp
Classification: Uncertain significance. Last evaluated: 2024-08-06. Review status: criteria provided, single submitter. Criteria: LabCorp Variant Classification Summary - May 2015. Collection method: clinical testing. Allele origin: germline.
Comment: Variant summary: RASGRP2 c.1066G>A (p.Ala356Thr) results in a non-conservative amino acid change located in the Ras guanine-nucleotide exchange factors catalytic domain (IPR001895) of the encoded protein sequence. Three of five in-silico tools predict a benign effect of the variant on protein function. The variant allele was found at a frequency of 0.00033 in 226530 control chromosomes in the gnomAD database, including 1 homozygotes. This frequency is not significantly higher than estimated for a pathogenic variant in RASGRP2 causing Platelet-Type Bleeding Disorder 18, allowing no conclusion about variant significance. To our knowledge, no occurrence of c.1066G>A in individuals affected with Platelet-Type Bleeding Disorder 18 and no experimental evidence demonstrating its impact on protein function have been reported. ClinVar contains an entry for this variant (Variation ID: 2039529). Based on the evidence outlined above, the variant was classified as uncertain significance.

NM_001098671.2(RASGRP2):c.1066G>A (p.Ala356Thr)

Gene: RASGRP2 (RAS guanyl releasing protein 2; minus strand). Cytogenetic location: 11q13.1.
Variant type: single nucleotide variant.
Coding change: c.1066G>A on transcript NM_001098671.2 (MANE Select); coding-DNA position 1066, G replaced by A.
Protein change: p.Ala356Thr; replaces alanine 356 with threonine.
Molecular consequence: missense variant.
Genome position (GRCh38, 1-based): chr11:64,736,782, C>T on the plus strand (G>A on the coding strand, the complement: RASGRP2 is on the minus strand). VCF-style: chr11-64736782-C-T. GRCh37 (hg19) VCF-style: chr11-64504254-C-T.
Other names: c.1066G>A, p.Ala356Thr (NM_001098670.2, NM_153819.2); c.631G>A, p.Ala211Thr (NM_001318398.2); short protein forms A211T, A356T.
Identifiers: ClinVar variation 2039529 (VCV002039529.5), dbSNP rs200768691, ClinGen allele CA6079049.